The following is an entry in ClinVar:

ClinVar aggregate classification (germline): Uncertain significance (1 of 4 stars; one submission).

Conditions:
Emery-Dreifuss muscular dystrophy 5, autosomal dominant (EDMD5). Also called: EMERY-DREIFUSS MUSCULAR DYSTROPHY 5. Identifiers: Orphanet 261, MedGen C2751805, MONDO:0013072, OMIM 612999.

Submission:

Labcorp Genetics (formerly Invitae), Labcorp
Classification: Uncertain significance for Emery-Dreifuss muscular dystrophy 5, autosomal dominant. Last evaluated: 2023-12-11. Review status: criteria provided, single submitter. Criteria: Invitae Variant Classification Sherloc (09022015). Collection method: clinical testing. Allele origin: germline.
Comment: This variant, c.18148_18150del, results in the deletion of 1 amino acid(s) of the SYNE2 protein (p.Val6050del), but otherwise preserves the integrity of the reading frame. This variant is not present in population databases (gnomAD no frequency). This variant has not been reported in the literature in individuals affected with SYNE2-related conditions. Experimental studies and prediction algorithms are not available or were not evaluated, and the functional significance of this variant is currently unknown. In summary, the available evidence is currently insufficient to determine the role of this variant in disease. Therefore, it has been classified as a Variant of Uncertain Significance.

NM_182914.3(SYNE2):c.18145GTT[1] (p.Val6050del)

Gene: SYNE2 (spectrin repeat containing nuclear envelope protein 2; plus strand). Cytogenetic location: 14q23.2.
Variant type: Microsatellite.
Coding change: c.18145GTT[1] on transcript NM_182914.3 (MANE Select); one copy of the 3-base unit GTT starting at c.18145; the reference has two copies in a row; one copy, 3 bases deleted.
Protein change: p.Val6050del; deletes valine 6050.
Molecular consequence: inframe deletion.
Genome position (GRCh38, 1-based): chr14:64,202,910-64,202,912, GTT deleted; deleting any 3 consecutive bases within chr14:64,202,906-64,202,912 gives the same sequence; the position shown is the placement nearest the transcript's 3' end. VCF-style (leftmost placement, unchanged base first): chr14-64202905-CTGT-C. GRCh37 (hg19) VCF-style: chr14-64669623-CTGT-C.
Other names: c.18145GTT[1], p.Val6050del (NM_015180.6); short protein forms V6050del.
Identifiers: ClinVar variation 2761077 (VCV002761077.3), dbSNP rs2549995601, ClinGen allele CA2625211831.